The following is an entry in ClinVar:

ClinVar aggregate classification (germline): Likely benign. Review status: criteria provided, multiple submitters, no conflicts (2 of 4 stars). 2 submissions from 2 submitters: Likely benign (2). Last evaluated 2024-05-16.

Conditions:
Familial cancer of breast. Also called: Hereditary breast cancer; hereditary breast carcinoma; BREAST CANCER, FAMILIAL. Identifiers: Orphanet 227535, MedGen C0346153, MONDO:0016419, OMIM 114480. Disease mechanism: loss of function.

Submissions (2):

Myriad Genetics, Inc.
Classification: Likely benign for Familial cancer of breast. Last evaluated: 2024-05-16. Review status: criteria provided, single submitter. Criteria: Myriad Autosomal Dominant, Autosomal Recessive and X-Linked Classification Criteria (2023). Collection method: clinical testing. Allele origin: unknown.
Comment: This variant is considered likely benign. This variant is intronic and is not expected to impact mRNA splicing.

GeneDx
Classification: Likely benign. Last evaluated: 2016-11-21. Review status: criteria provided, single submitter. Criteria: GeneDx Variant Classification (06012015). Collection method: clinical testing. Allele origin: germline. Affected: yes.
Comment: This variant is considered likely benign or benign based on one or more of the following criteria: it is a conservative change, it occurs at a poorly conserved position in the protein, it is predicted to be benign by multiple in silico algorithms, and/or has population frequency not consistent with disease.

NM_000051.4(ATM):c.4110-18T>C

Gene: ATM (ATM serine/threonine kinase; plus strand). Cytogenetic location: 11q22.3.
Variant type: single nucleotide variant.
Coding change: c.4110-18T>C on transcript NM_000051.4 (MANE Select); 18 bases into the intron before coding-DNA position 4110, T replaced by C.
Molecular consequence: intron variant.
Genome position (GRCh38, 1-based): chr11:108,288,959, T>C. VCF-style: chr11-108288959-T-C. GRCh37 (hg19) VCF-style: chr11-108159686-T-C.
Other names: c.4110-18T>C (NM_001351834.2).
Identifiers: ClinVar variation 391100 (VCV000391100.2), dbSNP rs1057523967, ClinGen allele CA16606073.